The following is an entry in ClinVar:

NM_006859.4(LIAS):c.552T>G (p.Asp184Glu)

Gene: LIAS (lipoic acid synthetase; plus strand). Cytogenetic location: 4p14.
Variant type: single nucleotide variant.
Coding change: c.552T>G on transcript NM_006859.4 (MANE Select); coding-DNA position 552, T replaced by G.
Protein change: p.Asp184Glu; replaces aspartic acid 184 with glutamic acid.
Molecular consequence: missense variant. On other transcripts: intron variant (1).
Genome position (GRCh38, 1-based): chr4:39,465,286, T>G. VCF-style: chr4-39465286-T-G. GRCh37 (hg19) VCF-style: chr4-39466906-T-G.
Other names: c.552T>G, p.Asp184Glu (NM_001278590.2, NM_194451.3); c.299+1681T>G (NM_001363700.2); short protein forms D184E.
Identifiers: ClinVar variation 946174 (VCV000946174.9), dbSNP rs1744715001, ClinGen allele CA356664691.

ClinVar aggregate classification (germline): Uncertain significance (1 of 4 stars; one submission).

Conditions:
Lipoic acid synthetase deficiency. Also called: HYPERGLYCINEMIA, LACTIC ACIDOSIS, AND SEIZURES. Identifiers: Orphanet 401859, MedGen C3280887, MONDO:0013762, OMIM 614462.

Submission:

Labcorp Genetics (formerly Invitae), Labcorp
Classification: Uncertain significance for Lipoic acid synthetase deficiency. Last evaluated: 2021-01-13. Review status: criteria provided, single submitter. Criteria: Invitae Variant Classification Sherloc (09022015). Collection method: clinical testing. Allele origin: germline.
Comment: In summary, the available evidence is currently insufficient to determine the role of this variant in disease. Therefore, it has been classified as a Variant of Uncertain Significance. Algorithms developed to predict the effect of missense changes on protein structure and function (SIFT, PolyPhen-2, Align-GVGD) all suggest that this variant is likely to be disruptive, but these predictions have not been confirmed by published functional studies and their clinical significance is uncertain. This variant has not been reported in the literature in individuals with LIAS-related conditions. This variant is not present in population databases (ExAC no frequency). This sequence change replaces aspartic acid with glutamic acid at codon 184 of the LIAS protein (p.Asp184Glu). The aspartic acid residue is highly conserved and there is a small physicochemical difference between aspartic acid and glutamic acid.